The following is an entry in ClinVar:

ClinVar aggregate classification (germline): Uncertain significance. Review status: criteria provided, multiple submitters, no conflicts (2 of 4 stars). 2 submissions from 2 submitters: Uncertain significance (2). Last evaluated 2026-07-23.

Conditions:
Neurofibromatosis, type 1 (NF1). Also called: VON RECKLINGHAUSEN DISEASE; Neurofibromatosis, type I; Peripheral type neurofibromatosis; NEUROFIBROMATOSIS, TYPE I, SOMATIC. Identifiers: Orphanet 636, MedGen C0027831, MONDO:0018975, OMIM 162200. Disease mechanism: loss of function.
Hereditary cancer-predisposing syndrome. Also called: Neoplastic Syndromes, Hereditary; Hereditary neoplastic syndrome; Hereditary Cancer Syndrome; Tumor predisposition. Identifiers: Orphanet 140162, MedGen C0027672, MeSH D009386, MONDO:0015356.
Cardiovascular phenotype. Identifiers: MedGen CN230736.

Submissions (2):

Ambry Genetics
Classification: Uncertain significance for Cardiovascular phenotype; Hereditary cancer-predisposing syndrome. Last evaluated: 2026-07-23. Review status: criteria provided, single submitter. Criteria: Ambry Variant Classification Scheme 2023. Collection method: clinical testing. Allele origin: germline.
Comment: The p.I1958M variant (also known as c.5874A>G), located in coding exon 39 of the NF1 gene, results from an A to G substitution at nucleotide position 5874. The isoleucine at codon 1958 is replaced by methionine, an amino acid with highly similar properties. This amino acid position is highly conserved in available vertebrate species. In addition, this alteration is predicted to be deleterious by in silico analysis. Since supporting evidence is limited at this time, the clinical significance of this alteration remains unclear.

Labcorp Genetics (formerly Invitae), Labcorp
Classification: Uncertain significance for Neurofibromatosis, type 1. Last evaluated: 2023-06-09. Review status: criteria provided, single submitter. Criteria: Invitae Variant Classification Sherloc (09022015). Collection method: clinical testing. Allele origin: germline.
Comment: In summary, the available evidence is currently insufficient to determine the role of this variant in disease. Therefore, it has been classified as a Variant of Uncertain Significance. This sequence change replaces isoleucine, which is neutral and non-polar, with methionine, which is neutral and non-polar, at codon 1958 of the NF1 protein (p.Ile1958Met). This variant is not present in population databases (gnomAD no frequency). This variant has not been reported in the literature in individuals affected with NF1-related conditions. ClinVar contains an entry for this variant (Variation ID: 485958). Advanced modeling of protein sequence and biophysical properties (such as structural, functional, and spatial information, amino acid conservation, physicochemical variation, residue mobility, and thermodynamic stability) performed at Invitae indicates that this missense variant is expected to disrupt NF1 protein function.

NM_001042492.3(NF1):c.5937A>G (p.Ile1979Met)

Gene: NF1 (neurofibromin 1; plus strand). Cytogenetic location: 17q11.2.
Variant type: single nucleotide variant.
Coding change: c.5937A>G on transcript NM_001042492.3 (MANE Select); coding-DNA position 5937, A replaced by G.
Protein change: p.Ile1979Met; replaces isoleucine 1979 with methionine.
Molecular consequence: missense variant.
Genome position (GRCh38, 1-based): chr17:31,334,962, A>G. VCF-style: chr17-31334962-A-G. GRCh37 (hg19) VCF-style: chr17-29661980-A-G.
Other names: c.5874A>G, p.Ile1958Met (NM_000267.4); short protein forms I1958M, I1979M.
Identifiers: ClinVar variation 485958 (VCV000485958.9), dbSNP rs1555534418, ClinGen allele CA399010825.